The following is an entry in ClinVar:

NM_000540.3(RYR1):c.12283-15C>T

Gene: RYR1 (ryanodine receptor 1; plus strand). Cytogenetic location: 19q13.2.
Variant type: single nucleotide variant.
Coding change: c.12283-15C>T on transcript NM_000540.3 (MANE Select); 15 bases into the intron before coding-DNA position 12283, C replaced by T.
Molecular consequence: intron variant.
Genome position (GRCh38, 1-based): chr19:38,561,098, C>T. VCF-style: chr19-38561098-C-T. GRCh37 (hg19) VCF-style: chr19-39051738-C-T.
Other names: c.12268-15C>T (NM_001042723.2).
Identifiers: ClinVar variation 3072910 (VCV003072910.2), dbSNP rs1382468749, ClinGen allele CA633066808.
Genomic context (GRCh38, chr19:38,561,098, plus strand): 5'-CTTAAAAAAAAAAAAAAAAAGAGAGAGAATTGAGGCTCTCCAGGTCACCCCACTGACCTC[C>T]CTGCCCGCCCCCAGGCCATGGACAGCCAGAAGCAGTTCAGCGGTCCAGAAATCCAGTTCC-3'

ClinVar aggregate classification (germline): Likely benign (1 of 4 stars; one submission).

Conditions:
Malignant hyperthermia, susceptibility to, 1 (MHS1). Also called: Anesthesia related hyperthermia; Malignant hyperpyrexia; Fulminating hyperpyrexia; Pharmacogenic myopathy; RYR1-Related Malignant Hyperthermia Susceptibility; Malignant hyperthermia suceptibility 1. Identifiers: Orphanet 423, MedGen C2930980, MONDO:0007783, OMIM 145600.

gnomAD v4.1: 3 of 1,613,612 alleles (0.00019%); highest among the groups gnomAD compares: East Asian, 0.0022%; no homozygotes.

Submission:

All of Us Research Program, National Institutes of Health
Classification: Likely benign for Malignant hyperthermia, susceptibility to, 1. Last evaluated: 2024-04-16. Review status: criteria provided, single submitter. Criteria: ACMG Guidelines, 2015. Collection method: clinical testing. Allele origin: germline. Inheritance: Autosomal dominant inheritance. Observed: 2 variant alleles, 2 heterozygotes.
Comment: This study involves interpretation of variants in research participants for the purpose of population health screening. Participant phenotype was not available at the time of variant classification. Additional details can be found in publication PMID: 35346344, PMCID: PMC8962531